The following is an entry in ClinVar:

NR_033294.2(SNORD118):n.25C>T

Genes: SNORD118 (small nucleolar RNA, C/D box 118; minus strand), TMEM107 (transmembrane protein 107; minus strand). Cytogenetic location: 17p13.1.
Variant type: single nucleotide variant.
Molecular consequence: non-coding transcript variant (on NR_033294.2). On other transcripts: 3 prime UTR variant (5).
Genome position: GRCh38 VCF-style: chr17-8173564-G-A. GRCh37 (hg19) VCF-style: chr17-8076882-G-A.
Other names: c.*639C>T (NM_001351278.2, NM_001351279.2, NM_001351280.2 and 2 more transcripts).
Identifiers: ClinVar variation 1175904 (VCV001175904.42), dbSNP rs12940891, ClinGen allele CA8370797.

ClinVar aggregate classification (germline): Benign/Likely benign. Review status: criteria provided, multiple submitters, no conflicts (2 of 4 stars). 3 submissions from 3 submitters: Benign (1); Likely benign (2). Last evaluated 2026-09-01.

Allele frequency attached by ClinVar (database versions not stated): 1000 Genomes Project 30x 0.00312; 1000 Genomes Project 0.00319; ESP Exome Variant Server 0.00436.
gnomAD v4.1: 4,085 of 765,206 alleles (0.53%); highest among the groups gnomAD compares: Non-Finnish European, 0.57%; 29 homozygotes.

Submissions (3):

CeGaT Center for Human Genetics Tuebingen
Classification: Likely benign. Last evaluated: 2026-09-01. Review status: criteria provided, single submitter. Criteria: CeGaT Center For Human Genetics Tuebingen Variant Classification Criteria Version 2. Collection method: clinical testing. Allele origin: germline. Affected: yes. Observed: 36 variant alleles.
Comment: SNORD118: BS2; TMEM107: BS2

Labcorp Genetics (formerly Invitae), Labcorp
Classification: Benign. Last evaluated: 2026-01-27. Review status: criteria provided, single submitter. Criteria: Invitae Variant Classification Sherloc (09022015). Collection method: clinical testing. Allele origin: germline.

Breakthrough Genomics
Classification: Likely benign. Review status: criteria provided, single submitter. Criteria: ACMG Guidelines, 2015. Collection method: not provided. Allele origin: germline. Inheritance: Autosomal recessive inheritance. Affected: yes.